The following is an entry in ClinVar:

ClinVar aggregate classification (germline): Uncertain significance (1 of 4 stars; one submission).

Conditions:
Hereditary cancer-predisposing syndrome. Also called: Hereditary neoplastic syndrome; Hereditary Cancer Syndrome; Neoplastic Syndromes, Hereditary; Tumor predisposition. Identifiers: Orphanet 140162, MedGen C0027672, MeSH D009386, MONDO:0015356.

Submission:

Ambry Genetics
Classification: Uncertain significance for Hereditary cancer-predisposing syndrome. Last evaluated: 2023-03-19. Review status: criteria provided, single submitter. Criteria: Ambry Variant Classification Scheme 2023. Collection method: clinical testing. Allele origin: germline.
Comment: The p.S984R variant (also known as c.2950A>C), located in coding exon 13 of the MET gene, results from an A to C substitution at nucleotide position 2950. The serine at codon 984 is replaced by arginine, an amino acid with dissimilar properties. This amino acid position is conserved. In addition, this alteration is predicted to be tolerated by in silico analysis. Since supporting evidence is limited at this time, the clinical significance of this alteration remains unclear.

NM_000245.4(MET):c.2896A>C (p.Ser966Arg)

Gene: MET (MET proto-oncogene, receptor tyrosine kinase; plus strand). Cytogenetic location: 7q31.2.
Variant type: single nucleotide variant.
Coding change: c.2896A>C on transcript NM_000245.4 (MANE Select); coding-DNA position 2896, A replaced by C.
Protein change: p.Ser966Arg; replaces serine 966 with arginine.
Molecular consequence: missense variant.
Genome position (GRCh38, 1-based): chr7:116,771,857, A>C. VCF-style: chr7-116771857-A-C. GRCh37 (hg19) VCF-style: chr7-116411911-A-C.
Other names: c.2950A>C, p.Ser984Arg (NM_001127500.3); c.1606A>C, p.Ser536Arg (NM_001324402.2); short protein forms S984R, S536R, S966R.
Identifiers: ClinVar variation 2567671 (VCV002567671.2), dbSNP rs2116995926, ClinGen allele CA368986937.